The following is an entry in ClinVar:

NM_015378.4(VPS13D):c.936T>C (p.Ser312=)

Gene: VPS13D (vacuolar protein sorting 13 homolog D; plus strand). Cytogenetic location: 1p36.22.
Variant type: single nucleotide variant.
Coding change: c.936T>C on transcript NM_015378.4 (MANE Select); coding-DNA position 936, T replaced by C.
Protein change: p.Ser312=; no amino-acid change (serine 312 retained).
Molecular consequence: synonymous variant.
Genome position (GRCh38, 1-based): chr1:12,257,082, T>C. VCF-style: chr1-12257082-T-C. GRCh37 (hg19) VCF-style: chr1-12317139-T-C.
Other names: c.936T>C, p.Ser312= (NM_018156.4).
Identifiers: ClinVar variation 3617702 (VCV003617702.3).

ClinVar aggregate classification (germline): Conflicting classifications of pathogenicity. Review status: criteria provided, conflicting classifications (1 of 4 stars). 2 submissions from 2 submitters: Uncertain significance (1); Likely benign (1). Last evaluated 2026-04-01.

Conditions:
Autosomal recessive cerebellar ataxia-saccadic intrusion syndrome. Also called: SPINOCEREBELLAR ATAXIA 24; VPS13D Movement Disorder. Identifiers: Orphanet 95434, MedGen C1846492, MONDO:0011811, OMIM 607317.

gnomAD v4.1: 3 of 1,613,990 alleles (0.00019%); highest among the groups gnomAD compares: Middle Eastern, 0.049%; no homozygotes.

Submissions (2):

Department of Genetics, Sultan Qaboos University Hospital
Classification: Uncertain significance for Autosomal recessive cerebellar ataxia-saccadic intrusion syndrome. Last evaluated: 2026-04-01. Review status: criteria provided, single submitter. Criteria: ACMG Guidelines, 2015. Collection method: clinical testing. Allele origin: germline. Affected: yes. Observed: 1 variant allele.
Comment: PM2_Supporting, BP7, PP1_Moderate

Labcorp Genetics (formerly Invitae), Labcorp
Classification: Likely benign. Last evaluated: 2024-09-14. Review status: criteria provided, single submitter. Criteria: Invitae Variant Classification Sherloc (09022015). Collection method: clinical testing. Allele origin: germline.